The following is an entry in ClinVar:

ClinVar aggregate classification (germline): Likely benign. Review status: criteria provided, multiple submitters, no conflicts (2 of 4 stars). 4 submissions from 4 submitters: Likely benign (2). 2 of the submissions do not count toward it. Last evaluated 2024-05-20.

Conditions:
CYP19A1-related disorder. Also called: CYP19A1-related condition.
Aromatase deficiency. Also called: Increased aromatase activity; PSEUDOHERMAPHRODITISM, FEMALE, DUE TO PLACENTAL AROMATASE DEFICIENCY. Identifiers: Orphanet 91, MedGen C1960539, MONDO:0013301, OMIM 613546.

Allele frequency attached by ClinVar (database versions not stated): TOPMed 0.00002; gnomAD 0.00003 and 0.00011; gnomAD exomes 0.00041; ExAC 0.00049; 1000 Genomes Project 30x 0.00062; 1000 Genomes Project 0.00080.
gnomAD v4.1: 240 of 1,613,928 alleles (0.015%); highest among the groups gnomAD compares: South Asian, 0.21%; 2 homozygotes.

Submissions (4):

Labcorp Genetics (formerly Invitae), Labcorp
Classification: Likely benign. Last evaluated: 2024-05-20. Review status: criteria provided, single submitter. Criteria: Invitae Variant Classification Sherloc (09022015). Collection method: clinical testing. Allele origin: germline.

Illumina Laboratory Services, Illumina
Classification: Likely benign for Aromatase deficiency. Last evaluated: 2018-01-12. Review status: criteria provided, single submitter. Criteria: ICSL Variant Classification Criteria 13 December 2019. Collection method: clinical testing. Allele origin: germline.
Comment: This variant was observed in the ICSL laboratory as part of a predisposition screen in an ostensibly healthy population. It had not been previously curated by ICSL or reported in the Human Gene Mutation Database (HGMD: prior to June 1st, 2018), and was therefore a candidate for classification through an automated scoring system. Utilizing variant allele frequency, disease prevalence and penetrance estimates, and inheritance mode, an automated score was calculated to assess if this variant is too frequent to cause the disease. Based on the score and internal cut-off values, a variant classified as likely benign is not then subjected to further curation. The score for this variant resulted in a classification of likely benign for this disease.

PreventionGenetics, part of Exact Sciences
Classification: Likely benign for CYP19A1-related condition. Last evaluated: 2022-10-15. Review status: no assertion criteria provided. Collection method: clinical testing. Allele origin: germline. Not counted in ClinVar's aggregate classification.
Comment: This variant is classified as likely benign based on ACMG/AMP sequence variant interpretation guidelines (Richards et al. 2015 PMID: 25741868, with internal and published modifications).

Natera, Inc.
Classification: Likely benign for Aromatase deficiency. Last evaluated: 2020-09-16. Review status: no assertion criteria provided. Collection method: clinical testing. Allele origin: germline. Not counted in ClinVar's aggregate classification.

NM_000103.4(CYP19A1):c.976C>T (p.Pro326Ser)

Genes: CYP19A1 (cytochrome P450 family 19 subfamily A member 1; minus strand), MIR4713HG (MIR4713 host gene; plus strand), PIRC66 (piwi-interacting RNA cluster 66; plus strand). Cytogenetic location: 15q21.2.
Variant type: single nucleotide variant.
Coding change: c.976C>T on transcript NM_000103.4 (MANE Select); coding-DNA position 976, C replaced by T.
Protein change: p.Pro326Ser; replaces proline 326 with serine.
Molecular consequence: missense variant.
Genome position (GRCh38, 1-based): chr15:51,215,115, G>A on the plus strand (C>T on the coding strand, the complement: CYP19A1 is on the minus strand). VCF-style: chr15-51215115-G-A. GRCh37 (hg19) VCF-style: chr15-51507312-G-A.
Other names: c.976C>T, p.Pro326Ser (NM_031226.3, NM_001347248.1, NM_001347249.2 and 7 more transcripts); short protein forms P326S.
Identifiers: ClinVar variation 316472 (VCV000316472.18), dbSNP rs368902124, ClinGen allele CA7559895.